The following is an entry in ClinVar:

NM_020921.4(NIN):c.1063A>G (p.Asn355Asp)

Gene: NIN (ninein; minus strand). Cytogenetic location: 14q22.1.
Variant type: single nucleotide variant.
Coding change: c.1063A>G on transcript NM_020921.4 (MANE Select); coding-DNA position 1063, A replaced by G.
Protein change: p.Asn355Asp; replaces asparagine 355 with aspartic acid.
Molecular consequence: missense variant.
Genome position (GRCh38, 1-based): chr14:50,771,387, T>C on the plus strand (A>G on the coding strand, the complement: NIN is on the minus strand). VCF-style: chr14-50771387-T-C. GRCh37 (hg19) VCF-style: chr14-51238105-T-C.
Other names: c.1063A>G, p.Asn355Asp (NM_016350.5, NM_182944.3, NM_182946.2); short protein forms N355D.
Identifiers: ClinVar variation 1336992 (VCV001336992.8), dbSNP rs372422633, ClinGen allele CA7182300.

ClinVar aggregate classification (germline): Uncertain significance. Review status: criteria provided, multiple submitters, no conflicts (2 of 4 stars). 2 submissions from 2 submitters: Uncertain significance (2). Last evaluated 2025-03-31.

Allele frequency attached by ClinVar (database versions not stated): gnomAD exomes 0.00002 and 0.00004; ExAC 0.00003; gnomAD 0.00003 and 0.00004; TOPMed 0.00006; ESP Exome Variant Server 0.00008.
gnomAD v4.1: 67 of 1,614,136 alleles (0.0042%); highest among the groups gnomAD compares: Non-Finnish European, 0.0057%; no homozygotes.

Submissions (2):

Labcorp Genetics (formerly Invitae), Labcorp
Classification: Uncertain significance. Last evaluated: 2025-03-31. Review status: criteria provided, single submitter. Criteria: Invitae Variant Classification Sherloc (09022015). Collection method: clinical testing. Allele origin: germline.
Comment: This sequence change replaces asparagine, which is neutral and polar, with aspartic acid, which is acidic and polar, at codon 355 of the NIN protein (p.Asn355Asp). This variant is present in population databases (rs372422633, gnomAD 0.003%). This variant has not been reported in the literature in individuals affected with NIN-related conditions. ClinVar contains an entry for this variant (Variation ID: 1336992). An algorithm developed to predict the effect of missense changes on protein structure and function (PolyPhen-2) suggests that this variant is likely to be disruptive. In summary, the available evidence is currently insufficient to determine the role of this variant in disease. Therefore, it has been classified as a Variant of Uncertain Significance.

Genetic Services Laboratory, University of Chicago
Classification: Uncertain significance. Last evaluated: 2019-01-08. Review status: criteria provided, single submitter. Criteria: ACMG Guidelines, 2015. Collection method: clinical testing. Allele origin: germline. Affected: no.